The following is an entry in ClinVar:

ClinVar aggregate classification (germline): Uncertain significance (1 of 4 stars; one submission).

Submission:

Dasa
Classification: Uncertain significance. Last evaluated: 2025-10-09. Review status: criteria provided, single submitter. Criteria: DASA Assertion Criteria. Collection method: clinical testing. Allele origin: germline.
Comment: NM_017999.5(RNF31):c.449C>A (p.Thr150Lys) is a missense variant that results in the substitution of threonine with lysine. This variant is absent from population databases. The currently available literature and clinical evidence are not sufficient to establish a definitive association between this variant and the reported condition. Therefore, this variant is classified as a variant of uncertain significance.

NM_017999.5(RNF31):c.449C>A (p.Thr150Lys)

Gene: RNF31 (ring finger protein 31; plus strand). Cytogenetic location: 14q12.
Variant type: single nucleotide variant.
Coding change: c.449C>A on transcript NM_017999.5 (MANE Select); coding-DNA position 449, C replaced by A.
Protein change: p.Thr150Lys; replaces threonine 150 with lysine.
Molecular consequence: missense variant. On other transcripts: 5 prime UTR variant (1).
Genome position (GRCh38, 1-based): chr14:24,148,367, C>A. VCF-style: chr14-24148367-C-A. GRCh37 (hg19) VCF-style: chr14-24617576-C-A.
Other names: c.-69C>A (NM_001310332.2); short protein forms T150K.
Identifiers: ClinVar variation 4885802 (VCV004885802.2).
Genomic context (GRCh38, chr14:24,148,367, plus strand): 5'-ATGGGTTGAGCTTCCCCGAAGGGCAGGAGGAGCCAGATGAGCACCAGGTTGCTACAGTCA[C>A]ACTGGAAGTACTGCTGCTTCGGACAGAGCTCAGCCTGCTATTGCAGGTGAGATGCTCCTC-3'
Protein context (NP_060469.4, residues 140-160): EPDEHQVATV[Thr150Lys]LEVLLLRTEL